The following is an entry in ClinVar:

NM_001844.5(COL2A1):c.1330G>A (p.Gly444Ser)

Gene: COL2A1 (collagen type II alpha 1 chain; minus strand). Cytogenetic location: 12q13.11.
Variant type: single nucleotide variant.
Coding change: c.1330G>A on transcript NM_001844.5 (MANE Select); coding-DNA position 1330, G replaced by A.
Protein change: p.Gly444Ser; replaces glycine 444 with serine.
Molecular consequence: missense variant.
Genome position (GRCh38, 1-based): chr12:47,987,113, C>T on the plus strand (G>A on the coding strand, the complement: COL2A1 is on the minus strand). VCF-style: chr12-47987113-C-T. GRCh37 (hg19) VCF-style: chr12-48380896-C-T.
Other names: c.1123G>A, p.Gly375Ser (NM_033150.3); short protein forms G444S, G375S.
Identifiers: ClinVar variation 423267 (VCV000423267.3), dbSNP rs1064796332, ClinGen allele CA16619528.

ClinVar aggregate classification (germline): Pathogenic (1 of 4 stars; one submission).

Submission:

GeneDx
Classification: Pathogenic. Last evaluated: 2024-03-28. Review status: criteria provided, single submitter. Criteria: GeneDx Variant Classification Process June 2021. Collection method: clinical testing. Allele origin: germline. Affected: yes.
Comment: Identified in unrelated patients with clinical features consistent with a type II collagenopathy, one of which was inherited from a mildly affected parent, referred for genetic testing at GeneDx and in published literature (PMID: 38076483, 28688555); Occurs in the triple helical domain and replaces a glycine in a canonical Gly-X-Y repeat; missense substitution of a canonical glycine residue is expected to disrupt normal protein folding and function, and this is an established mechanism of disease (PMID: 34007986); Not observed at significant frequency in large population cohorts (gnomAD); In silico analysis supports that this missense variant has a deleterious effect on protein structure/function; This variant is associated with the following publications: (PMID: 34007986, 38076483, 28688555)